The following is an entry in ClinVar:

NM_170754.4(TNS2):c.2549C>T (p.Thr850Met)

Gene: TNS2 (tensin 2; plus strand). Cytogenetic location: 12q13.13.
Variant type: single nucleotide variant.
Coding change: c.2549C>T on transcript NM_170754.4 (MANE Select); coding-DNA position 2549, C replaced by T.
Protein change: p.Thr850Met; replaces threonine 850 with methionine.
Molecular consequence: missense variant.
Genome position (GRCh38, 1-based): chr12:53,060,190, C>T. VCF-style: chr12-53060190-C-T. GRCh37 (hg19) VCF-style: chr12-53453974-C-T.
Other names: c.2549C>T, p.Thr850Met (NM_001416202.1); c.2507C>T, p.Thr836Met (NM_001416203.1); c.2576C>T, p.Thr859Met (NM_001416204.1); c.2480C>T, p.Thr827Met (NM_015319.3); c.2177C>T, p.Thr726Met (NM_198316.2); short protein forms T836M, T850M, T859M, T726M, T827M.
Identifiers: ClinVar variation 4751598 (VCV004751598.1).
Genomic context (GRCh38, chr12:53,060,190, plus strand): 5'-CCATTTCCCCGGGCAGCCCGCCCTATCCACAATCTAGGAAGCTGAGCTACGAGATCCCTA[C>T]GGAGGAGGGAGGGGACAGGTACCCATTGCCTGGGCACCTGGCCTCAGCAGGACCTTTGGC-3'
Protein context (NP_736610.2, residues 840-860): QSRKLSYEIP[Thr850Met]EEGGDRYPLP

ClinVar aggregate classification (germline): Uncertain significance (1 of 4 stars; one submission).

gnomAD v4.1: 52 of 1,591,408 alleles (0.0033%); highest among the groups gnomAD compares: East Asian, 0.022%; no homozygotes.

Submission:

Labcorp Genetics (formerly Invitae), Labcorp
Classification: Uncertain significance. Last evaluated: 2025-04-08. Review status: criteria provided, single submitter. Criteria: Invitae Variant Classification Sherloc (09022015). Collection method: clinical testing. Allele origin: germline.
Comment: This sequence change replaces threonine, which is neutral and polar, with methionine, which is neutral and non-polar, at codon 860 of the TNS2 protein (p.Thr860Met). This variant is present in population databases (rs550681853, gnomAD 0.03%). This variant has not been reported in the literature in individuals affected with TNS2-related conditions. An algorithm developed to predict the effect of missense changes on protein structure and function (PolyPhen-2) suggests that this variant is likely to be tolerated. In summary, the available evidence is currently insufficient to determine the role of this variant in disease. Therefore, it has been classified as a Variant of Uncertain Significance.